The following is an entry in ClinVar:

NM_139076.3(ABRAXAS1):c.1145C>G (p.Ala382Gly)

Gene: ABRAXAS1 (abraxas 1, BRCA1 A complex subunit; minus strand). Cytogenetic location: 4q21.23.
Variant type: single nucleotide variant.
Coding change: c.1145C>G on transcript NM_139076.3 (MANE Select); coding-DNA position 1145, C replaced by G.
Protein change: p.Ala382Gly; replaces alanine 382 with glycine.
Molecular consequence: missense variant.
Genome position (GRCh38, 1-based): chr4:83,462,554, G>C on the plus strand (C>G on the coding strand, the complement: ABRAXAS1 is on the minus strand). VCF-style: chr4-83462554-G-C. GRCh37 (hg19) VCF-style: chr4-84383707-G-C.
Other names: c.818C>G, p.Ala273Gly (NM_001345962.2); short protein forms A273G, A382G.
Identifiers: ClinVar variation 1799932 (VCV001799932.2), dbSNP rs1560570492, ClinGen allele CA357255033.

ClinVar aggregate classification (germline): Uncertain significance (1 of 4 stars; one submission).

Submission:

Ambry Genetics
Classification: Uncertain significance. Last evaluated: 2021-09-15. Review status: criteria provided, single submitter. Criteria: Ambry Variant Classification Scheme 2023. Collection method: clinical testing. Allele origin: germline.
Comment: The p.A382G variant (also known as c.1145C>G), located in coding exon 9 of the FAM175A gene, results from a C to G substitution at nucleotide position 1145. The alanine at codon 382 is replaced by glycine, an amino acid with similar properties. This amino acid position is conserved. In addition, this alteration is predicted to be tolerated by in silico analysis. Since supporting evidence is limited at this time, the clinical significance of this alteration remains unclear.